The following is an entry in ClinVar:

NM_002087.4(GRN):c.182G>A (p.Cys61Tyr)

Gene: GRN (granulin precursor; plus strand). Cytogenetic location: 17q21.31.
Variant type: single nucleotide variant.
Coding change: c.182G>A on transcript NM_002087.4 (MANE Select); coding-DNA position 182, G replaced by A.
Protein change: p.Cys61Tyr; replaces cysteine 61 with tyrosine.
Molecular consequence: missense variant.
Genome position (GRCh38, 1-based): chr17:44,349,469, G>A. VCF-style: chr17-44349469-G-A. GRCh37 (hg19) VCF-style: chr17-42426837-G-A.
Other names: short protein forms C61Y.
Identifiers: ClinVar variation 2092824 (VCV002092824.4), dbSNP rs2510054490, ClinGen allele CA399759719.

ClinVar aggregate classification (germline): Uncertain significance (1 of 4 stars; one submission).

Conditions:
Neuronal ceroid lipofuscinosis 11. Also called: GRN-Related Neuronal Ceroid-Lipofuscinosis. Identifiers: Orphanet 314629, Orphanet 79262, MedGen C3539123, MONDO:0013866, OMIM 614706.
GRN-related frontotemporal lobar degeneration with Tdp43 inclusions (FTD2). Also called: DEMENTIA, HEREDITARY DYSPHASIC DISINHIBITION; FRONTOTEMPORAL LOBAR DEGENERATION WITH UBIQUITIN-POSITIVE INCLUSIONS; FTLD-TDP, GRN-RELATED; GRN Frontotemporal Dementia; FRONTOTEMPORAL DEMENTIA WITH TDP43 INCLUSIONS, GRN-RELATED. Identifiers: Orphanet 100070, Orphanet 282, MedGen C1843792, MONDO:0011842, OMIM 607485. Disease mechanism: loss of function.

Submission:

Labcorp Genetics (formerly Invitae), Labcorp
Classification: Uncertain significance for Neuronal ceroid lipofuscinosis 11; GRN-related frontotemporal lobar degeneration with Tdp43 inclusions. Last evaluated: 2023-07-25. Review status: criteria provided, single submitter. Criteria: Invitae Variant Classification Sherloc (09022015). Collection method: clinical testing. Allele origin: germline.
Comment: In summary, the available evidence is currently insufficient to determine the role of this variant in disease. Therefore, it has been classified as a Variant of Uncertain Significance. An algorithm developed to predict the effect of missense changes on protein structure and function (PolyPhen-2) suggests that this variant is likely to be disruptive. ClinVar contains an entry for this variant (Variation ID: 2092824). This variant has not been reported in the literature in individuals affected with GRN-related conditions. This variant is not present in population databases (gnomAD no frequency). This sequence change replaces cysteine, which is neutral and slightly polar, with tyrosine, which is neutral and polar, at codon 61 of the GRN protein (p.Cys61Tyr).